The following is an entry in ClinVar:

ClinVar aggregate classification (germline): Uncertain significance (1 of 4 stars; one submission).

Conditions:
Long QT syndrome (LQTS). Identifiers: MedGen C0023976, MeSH D008133, MONDO:0002442. Disease mechanism: loss of function. Inheritance: Various modes of inheritance.

gnomAD v4.1: 3 of 1,599,164 alleles (0.00019%); highest among the groups gnomAD compares: East Asian, 0.0023%; no homozygotes.

Submission:

Labcorp Genetics (formerly Invitae), Labcorp
Classification: Uncertain significance for Long QT syndrome. Last evaluated: 2024-12-11. Review status: criteria provided, single submitter. Criteria: Invitae Variant Classification Sherloc (09022015). Collection method: clinical testing. Allele origin: germline.
Comment: This sequence change replaces valine, which is neutral and non-polar, with methionine, which is neutral and non-polar, at codon 1517 of the CACNA1C protein (p.Val1517Met). This variant is not present in population databases (gnomAD no frequency). This variant has not been reported in the literature in individuals affected with CACNA1C-related conditions. Invitae Evidence Modeling of protein sequence and biophysical properties (such as structural, functional, and spatial information, amino acid conservation, physicochemical variation, residue mobility, and thermodynamic stability) has been performed for this missense variant. However, the output from this modeling did not meet the statistical confidence thresholds required to predict the impact of this variant on CACNA1C protein function. In summary, the available evidence is currently insufficient to determine the role of this variant in disease. Therefore, it has been classified as a Variant of Uncertain Significance.

NM_000719.7(CACNA1C):c.4549G>A (p.Val1517Met)

Gene: CACNA1C (calcium voltage-gated channel subunit alpha1 C; plus strand). Cytogenetic location: 12p13.33.
Variant type: single nucleotide variant.
Coding change: c.4549G>A on transcript NM_000719.7 (MANE Select); coding-DNA position 4549, G replaced by A.
Protein change: p.Val1517Met; replaces valine 1517 with methionine.
Molecular consequence: missense variant.
Genome position (GRCh38, 1-based): chr12:2,666,708, G>A. VCF-style: chr12-2666708-G-A. GRCh37 (hg19) VCF-style: chr12-2775874-G-A.
Other names: c.4693G>A, p.Val1565Met (NM_001129827.2, NM_199460.4); c.4615G>A, p.Val1539Met (NM_001129829.2); c.4549G>A, p.Val1517Met (NM_001129841.2, NM_001129842.2, NM_001129843.2 and 7 more transcripts); c.4540G>A, p.Val1514Met (NM_001129844.2); c.4516G>A, p.Val1506Met (NM_001129846.2, NM_001167625.2, NM_001129837.2 and 1 more transcripts); c.4600G>A, p.Val1534Met (NM_001129836.2); c.4510G>A, p.Val1504Met (NM_001129839.2); c.4633G>A, p.Val1545Met (NM_001129831.2); and 1 more; short protein forms V1504M, V1506M, V1514M, V1537M, V1534M, V1539M, V1545M, V1517M.
Identifiers: ClinVar variation 3670795 (VCV003670795.2).
Genomic context (GRCh38, chr12:2,666,708, plus strand): 5'-TCTCTGATGCCCTGTCCCTCCTCTCCCTCCTCTTCTAGGGGTCGTATCAAACACCTGGAT[G>A]TGGTGACCCTCCTCCGGCGGATTCAGCCGCCACTAGGTTTTGGGAAGCTGTGCCCTCACC-3'
Protein context (NP_000710.5, residues 1507-1527): EAKGRIKHLD[Val1517Met]VTLLRRIQPP